The following is an entry in ClinVar:

NM_002291.3(LAMB1):c.4394T>G (p.Val1465Gly)

Gene: LAMB1 (laminin subunit beta 1; minus strand). Cytogenetic location: 7q31.1.
Variant type: single nucleotide variant.
Coding change: c.4394T>G on transcript NM_002291.3 (MANE Select); coding-DNA position 4394, T replaced by G.
Protein change: p.Val1465Gly; replaces valine 1465 with glycine.
Molecular consequence: missense variant.
Genome position (GRCh38, 1-based): chr7:107,931,499, A>C on the plus strand (T>G on the coding strand, the complement: LAMB1 is on the minus strand). VCF-style: chr7-107931499-A-C. GRCh37 (hg19) VCF-style: chr7-107571944-A-C.
Other names: short protein forms V1465G.
Identifiers: ClinVar variation 2705614 (VCV002705614.3), dbSNP rs2535628752, ClinGen allele CA368864336.

ClinVar aggregate classification (germline): Uncertain significance (1 of 4 stars; one submission).

Submission:

Labcorp Genetics (formerly Invitae), Labcorp
Classification: Uncertain significance. Last evaluated: 2024-01-04. Review status: criteria provided, single submitter. Criteria: Invitae Variant Classification Sherloc (09022015). Collection method: clinical testing. Allele origin: germline.
Comment: This sequence change replaces valine, which is neutral and non-polar, with glycine, which is neutral and non-polar, at codon 1465 of the LAMB1 protein (p.Val1465Gly). This variant is not present in population databases (gnomAD no frequency). This variant has not been reported in the literature in individuals affected with LAMB1-related conditions. An algorithm developed to predict the effect of missense changes on protein structure and function (PolyPhen-2) suggests that this variant is likely to be disruptive. In summary, the available evidence is currently insufficient to determine the role of this variant in disease. Therefore, it has been classified as a Variant of Uncertain Significance.